The following is an entry in ClinVar:

NM_004519.4(KCNQ3):c.1520C>T (p.Pro507Leu)

Gene: KCNQ3 (potassium voltage-gated channel subfamily Q member 3; minus strand). Cytogenetic location: 8q24.22.
Variant type: single nucleotide variant.
Coding change: c.1520C>T on transcript NM_004519.4 (MANE Select); coding-DNA position 1520, C replaced by T.
Protein change: p.Pro507Leu; replaces proline 507 with leucine.
Molecular consequence: missense variant.
Genome position (GRCh38, 1-based): chr8:132,140,124, G>A on the plus strand (C>T on the coding strand, the complement: KCNQ3 is on the minus strand). VCF-style: chr8-132140124-G-A. GRCh37 (hg19) VCF-style: chr8-133152371-G-A.
Other names: c.1160C>T, p.Pro387Leu (NM_001204824.2); short protein forms P387L, P507L.
Identifiers: ClinVar variation 3714645 (VCV003714645.2).

ClinVar aggregate classification (germline): Uncertain significance (1 of 4 stars; one submission).

Conditions:
Benign neonatal seizures. Also called: Benign familial neonatal seizures; Benign neonatal familial convulsions; Convulsions benign familial neonatal dominant form; Autosomal dominant form of benign neonatal seizures; Benign familial neonatal epilepsy. Identifiers: Orphanet 1949, MedGen C0220669, MONDO:0016027.

gnomAD v4.1: 2 of 1,612,380 alleles (0.00012%); highest among the groups gnomAD compares: African/African-American, 0.0027%; no homozygotes.

Submission:

Labcorp Genetics (formerly Invitae), Labcorp
Classification: Uncertain significance for Benign neonatal seizures. Last evaluated: 2024-12-16. Review status: criteria provided, single submitter. Criteria: Invitae Variant Classification Sherloc (09022015). Collection method: clinical testing. Allele origin: germline.
Comment: This sequence change replaces proline, which is neutral and non-polar, with leucine, which is neutral and non-polar, at codon 507 of the KCNQ3 protein (p.Pro507Leu). This variant is present in population databases (rs370333805, gnomAD 0.01%). This variant has not been reported in the literature in individuals affected with KCNQ3-related conditions. Invitae Evidence Modeling of protein sequence and biophysical properties (such as structural, functional, and spatial information, amino acid conservation, physicochemical variation, residue mobility, and thermodynamic stability) indicates that this missense variant is not expected to disrupt KCNQ3 protein function with a negative predictive value of 80%. In summary, the available evidence is currently insufficient to determine the role of this variant in disease. Therefore, it has been classified as a Variant of Uncertain Significance.